The following is an entry in ClinVar:

ClinVar aggregate classification (germline): Pathogenic (1 of 4 stars; one submission).

Submission:

CeGaT Center for Human Genetics Tuebingen
Classification: Pathogenic. Last evaluated: 2023-01-01. Review status: criteria provided, single submitter. Criteria: CeGaT Center For Human Genetics Tuebingen Variant Classification Criteria Version 2. Collection method: clinical testing. Allele origin: germline. Affected: yes. Observed: 1 variant allele.
Comment: ABCA4: PVS1, PM2, PM3:Supporting, PP4

NM_000350.3(ABCA4):c.5758del (p.Asp1920fs)

Gene: ABCA4 (ATP binding cassette subfamily A member 4; minus strand). Cytogenetic location: 1p22.1.
Variant type: Deletion.
Coding change: c.5758del on transcript NM_000350.3 (MANE Select); coding-DNA position 5758, one base deleted (G; older notation c.5758delG).
Protein change: p.Asp1920fs; shifts the reading frame from aspartic acid 1920.
Molecular consequence: frameshift variant.
Genome position (GRCh38, 1-based): chr1:94,008,828, C deleted on the plus strand (G on the coding strand, the reverse complement: ABCA4 is on the minus strand). VCF-style (leftmost placement, unchanged base first): chr1-94008827-TC-T. GRCh37 (hg19) VCF-style: chr1-94474383-TC-T.
Other names: c.5536delG, p.Asp1846Metfs (NM_001425324.1); short protein forms D1920fs.
Identifiers: ClinVar variation 2498408 (VCV002498408.28), dbSNP rs2523648999, ClinGen allele CA2580063466.